The following is an entry in ClinVar:

ClinVar aggregate classification (germline): Pathogenic. Review status: criteria provided, multiple submitters, no conflicts (2 of 4 stars). 2 submissions from 2 submitters: Pathogenic (2). Last evaluated 2025-12-04.

Conditions:
Cornelia de Lange syndrome 3 (CDLS3). Also called: CORNELIA DE LANGE SYNDROME 3 WITH OR WITHOUT MIDLINE BRAIN DEFECTS; SMC3-Related Cornelia de Lange Syndrome. Identifiers: Orphanet 199, MedGen C1853099, MONDO:0012555, OMIM 610759.
Inborn genetic diseases. Identifiers: MedGen C0950123, MeSH D030342.

Submissions (2):

Ambry Genetics
Classification: Pathogenic for Inborn genetic diseases. Last evaluated: 2025-12-04. Review status: criteria provided, single submitter. Criteria: Ambry Variant Classification Scheme 2023. Collection method: clinical testing. Allele origin: germline.
Comment: The c.3439C>G (p.Q1147E) alteration is located in coding exon 27 of the SMC3 gene. This alteration results from a C to G substitution at nucleotide position 3439, causing the glutamine (Q) at amino acid position 1147 to be replaced by a glutamic acid (E). This variant was not reported in population-based cohorts in the Genome Aggregation Database (gnomAD). This variant was determined to be de novo in at least one individual with features consistent with SMC3-related Cornelia de Lange syndrome (Ansari, 2014; Gil-Rodr&iacute;guez, 2015; Ambry internal data). This amino acid position is highly conserved in available vertebrate species. This missense alteration is located in a region that has a low rate of benign missense variation (Lek, 2016; Firth, 2009). The p.Q1147E amino acid is located in the head domain, and is one of the residues affecting ATPase activity (Marcos-Alcalde, 2017); however, structural analysis performed at Ambry was inconclusive. The in silico prediction for this alteration is inconclusive. Based on the available evidence, this alteration is classified as pathogenic.

Victorian Clinical Genetics Services, Murdoch Childrens Research Institute
Classification: Pathogenic for Cornelia de Lange syndrome 3. Last evaluated: 2025-09-08. Review status: criteria provided, single submitter. Criteria: ACMG Guidelines, 2015. Collection method: clinical testing. Allele origin: germline. Affected: yes.
Comment: This variant is classified as Pathogenic. Evidence in support of pathogenic classification: Variant is absent from gnomAD (v2, v3 and v4); This variant has strong previous evidence of pathogenicity in unrelated individuals. This variant has been classified as likely pathogenic in ClinVar, and reported in the literature as de novo in multiple unrelated individuals with SMC3-related features (DECIPHER, PMID: 25655089, 36792598); Missense variant predicted to be damaging by in silico tool(s) or highly conserved with a major amino acid change; Additional information: Variant is predicted to result in a missense amino acid change from Gln to Glu; This variant is heterozygous; This gene is associated with autosomal dominant disease; Loss of function is a known mechanism of disease in this gene and is associated with Cornelia de Lange syndrome 3 (MIM#610759; PMID: 38297832). Dominant negative and gain of function have also been suggested as mechanisms of disease (PMID: 25655089); Variants in this gene are known to have variable expressivity (OMIM).

Literature cited by the submitters: PubMed 25125236 (cited by Ambry Genetics); PubMed 25655089 (cited by Ambry Genetics and Victorian Clinical Genetics Services, Murdoch Childrens Research Institute); PubMed 28607419 (cited by Ambry Genetics); PubMed 38297832 (cited by Victorian Clinical Genetics Services, Murdoch Childrens Research Institute); PubMed 36792598 (cited by Victorian Clinical Genetics Services, Murdoch Childrens Research Institute).

NM_005445.4(SMC3):c.3439C>G (p.Gln1147Glu)

Gene: SMC3 (structural maintenance of chromosomes 3; plus strand). Cytogenetic location: 10q25.2.
Variant type: single nucleotide variant.
Coding change: c.3439C>G on transcript NM_005445.4 (MANE Select); coding-DNA position 3439, C replaced by G.
Protein change: p.Gln1147Glu; replaces glutamine 1147 with glutamic acid.
Molecular consequence: missense variant.
Genome position (GRCh38, 1-based): chr10:110,602,966, C>G. VCF-style: chr10-110602966-C-G. GRCh37 (hg19) VCF-style: chr10-112362724-C-G.
Other names: short protein forms Q1147E.
Identifiers: ClinVar variation 985132 (VCV000985132.6), dbSNP rs1861409519, ClinGen allele CA378395263.